The following is an entry in ClinVar:

NM_000228.3(LAMB3):c.298+3_298+8del

Gene: LAMB3 (laminin subunit beta 3; minus strand). Cytogenetic location: 1q32.2.
Variant type: Deletion.
Coding change: c.298+3_298+8del on transcript NM_000228.3 (MANE Select); bases 3 to 8 of the intron after coding-DNA position 298, 6 bases deleted (GAGCAT; older notation c.298+3_298+8delGAGCAT).
Molecular consequence: splice donor variant.
Genome position (GRCh38, 1-based): chr1:209,638,526-209,638,531, ATGCTC deleted on the plus strand (GAGCAT on the coding strand, the reverse complement: LAMB3 is on the minus strand); deleting any 6 consecutive bases within chr1:209,638,526-209,638,532 gives the same sequence; the c. name uses the placement nearest the transcript's 3' end. VCF-style (leftmost placement, unchanged base first): chr1-209638525-AATGCTC-A. GRCh37 (hg19) VCF-style: chr1-209811870-AATGCTC-A.
Other names: c.298+3_298+8del (NM_001127641.1, NM_001017402.2).
Identifiers: ClinVar variation 3253096 (VCV003253096.1), dbSNP rs1325194123.
Genomic context (GRCh38, chr1:209,638,525, plus strand): 5'-GGCACCTTCCATCCGTCTTATCCTGTGGAGGCTGTACAGTTTGAGTTCCCGTAGATGGCA[AATGCTC>A]ACCATTCTGTGACTGCCACCAGCGCATGGGGCCGGAGGATGAAGCCACATTCTCTACTCG-3'

ClinVar aggregate classification (germline): Uncertain significance (1 of 4 stars; one submission).

Submission:

GeneDx
Classification: Uncertain significance. Last evaluated: 2023-10-19. Review status: criteria provided, single submitter. Criteria: GeneDx Variant Classification Process June 2021. Collection method: clinical testing. Allele origin: germline. Affected: yes.
Comment: Not observed at significant frequency in large population cohorts (gnomAD); In silico analysis supports a deleterious effect on splicing; Has not been previously published as pathogenic or benign to our knowledge